The following is an entry in ClinVar:

ClinVar aggregate classification (germline): Uncertain significance (1 of 4 stars; one submission).

Submission:

Labcorp Genetics (formerly Invitae), Labcorp
Classification: Uncertain significance. Last evaluated: 2024-11-27. Review status: criteria provided, single submitter. Criteria: Invitae Variant Classification Sherloc (09022015). Collection method: clinical testing. Allele origin: germline.
Comment: This sequence change creates a premature translational stop signal (p.Phe107Leufs*8) in the A2ML1 gene. It is expected to result in an absent or disrupted protein product. However, the current clinical and genetic evidence is not sufficient to establish whether loss-of-function variants in A2ML1 cause disease. This variant is not present in population databases (gnomAD no frequency). This variant has not been reported in the literature in individuals affected with A2ML1-related conditions. Algorithms developed to predict the effect of sequence changes on RNA splicing suggest that this variant may disrupt the consensus splice site. In summary, the available evidence is currently insufficient to determine the role of this variant in disease. Therefore, it has been classified as a Variant of Uncertain Significance.

NM_144670.6(A2ML1):c.318del (p.Phe107fs)

Genes: A2ML1 (alpha-2-macroglobulin like 1; plus strand), A2ML1-AS1 (A2ML1 antisense RNA 1; minus strand). Cytogenetic location: 12p13.31.
Variant type: Deletion.
Coding change: c.318del on transcript NM_144670.6 (MANE Select); coding-DNA position 318, one base deleted (C; older notation c.318delC).
Protein change: p.Phe107fs; shifts the reading frame from phenylalanine 107.
Molecular consequence: frameshift variant.
Genome position (GRCh38, 1-based): chr12:8,823,791, C deleted. VCF-style (leftmost placement, unchanged base first): chr12-8823790-GC-G. GRCh37 (hg19) VCF-style: chr12-8976386-GC-G.
Other names: short protein forms F107fs.
Identifiers: ClinVar variation 3697453 (VCV003697453.2).